The following is an entry in ClinVar:

NM_000090.4(COL3A1):c.862G>A (p.Gly288Ser)

Gene: COL3A1 (collagen type III alpha 1 chain; plus strand). Cytogenetic location: 2q32.2.
Variant type: single nucleotide variant.
Coding change: c.862G>A on transcript NM_000090.4 (MANE Select); coding-DNA position 862, G replaced by A.
Protein change: p.Gly288Ser; replaces glycine 288 with serine.
Molecular consequence: missense variant.
Genome position (GRCh38, 1-based): chr2:188,991,496, G>A. VCF-style: chr2-188991496-G-A. GRCh37 (hg19) VCF-style: chr2-189856222-G-A.
Other names: short protein forms G288S.
Identifiers: ClinVar variation 1500982 (VCV001500982.6), dbSNP rs1333066574, ClinGen allele CA349849883.

ClinVar aggregate classification (germline): Likely pathogenic (1 of 4 stars; one submission).

Conditions:
Ehlers-Danlos syndrome, type 4 (EDSVASC). Also called: Ehlers-Danlos syndrome vascular type; Ehlers Danlos syndrome, ecchymotic type; Ehlers Danlos syndrome, arterial type; Ehlers Danlos syndrome, Sack-Barabas type; Ehlers-Danlos Syndrome Type IV. Identifiers: Orphanet 286, MedGen C0268338, MONDO:0017314, OMIM 130050.

Submission:

Labcorp Genetics (formerly Invitae), Labcorp
Classification: Likely pathogenic for Ehlers-Danlos syndrome, type 4. Last evaluated: 2021-11-12. Review status: criteria provided, single submitter. Criteria: Invitae Variant Classification Sherloc (09022015). Collection method: clinical testing. Allele origin: germline.
Comment: This variant is not present in population databases (gnomAD no frequency). In summary, the currently available evidence indicates that the variant is pathogenic, but additional data are needed to prove that conclusively. Therefore, this variant has been classified as Likely Pathogenic. This variant disrupts the triple helix domain of COL3A1. Glycine residues within the Gly-Xaa-Yaa repeats of the triple helix domain are required for the structure and stability of fibrillar collagens (PMID: 7695699, 8218237, 19344236). In COL3A1, variants that affect these glycine residues are significantly enriched in individuals with disease (PMID: 24922459, 25758994) compared to the general population (ExAC). Advanced modeling of protein sequence and biophysical properties (such as structural, functional, and spatial information, amino acid conservation, physicochemical variation, residue mobility, and thermodynamic stability) performed at Invitae indicates that this missense variant is expected to disrupt COL3A1 protein function. This missense change has been observed in individual(s) with clinical features of COL3A1-related disease (Invitae). This sequence change replaces glycine, which is neutral and non-polar, with serine, which is neutral and polar, at codon 288 of the COL3A1 protein (p.Gly288Ser).

Literature cited by the submitters: PubMed 7695699; PubMed 8218237; PubMed 19344236; PubMed 24922459; PubMed 25758994.